The following is an entry in ClinVar:

NM_001754.5(RUNX1):c.259_260dup (p.Glu88fs)

Gene: RUNX1 (RUNX family transcription factor 1; minus strand). Cytogenetic location: 21q22.12.
Variant type: Duplication.
Coding change: c.259_260dup on transcript NM_001754.5 (MANE Select); coding-DNA positions 259 to 260, 2 bases duplicated (GG; older notation c.259_260dupGG).
Protein change: p.Glu88fs; shifts the reading frame from glutamic acid 88.
Molecular consequence: frameshift variant.
Genome position (GRCh38, 1-based): chr21:34,886,934-34,886,935, CC duplicated on the plus strand (GG on the coding strand, the reverse complement: RUNX1 is on the minus strand); duplicating any 2 consecutive bases within chr21:34,886,934-34,886,936 gives the same sequence; the c. name uses the placement nearest the transcript's 3' end. VCF-style (leftmost placement, unchanged base first): chr21-34886933-G-GCC. GRCh37 (hg19) VCF-style: chr21-36259230-G-GCC.
Other names: NM_001754.5(RUNX1):c.259_260dup; p.Glu88fs; c.178_179dup, p.Glu61fs (NM_001001890.3, NM_001122607.2); short protein forms E61fs, E88fs.
Identifiers: ClinVar variation 1692643 (VCV001692643.3), dbSNP rs2146410280, ClinGen allele CA2573157362.
Genomic context (GRCh38, chr21:34,886,933, plus strand): 5'-GCGCCAGTGCGTAGGCAGCACGGAGCAGAGGAAGTTGGGGCTGTCGGTGCGCACCAGCTC[G>GCC]CCCGGGTGGTCGGCCAGCACCTCCACCATGCTGCGGTCGCCGCTCCTCAGCTTGCCGGCC-3'

ClinVar aggregate classification (germline): Pathogenic. Review status: reviewed by expert panel (3 of 4 stars). 3 submissions from 3 submitters: Pathogenic (1). 2 of the submissions do not count toward it. Last evaluated 2023-12-09.

Conditions:
Hereditary thrombocytopenia and hematologic cancer predisposition syndrome. Identifiers: Orphanet 71290, MedGen CN281654, MONDO:0011071.
Inborn genetic diseases. Identifiers: MedGen C0950123, MeSH D030342.
Hereditary cancer-predisposing syndrome. Also called: Hereditary Cancer Syndrome; Neoplastic Syndromes, Hereditary; Hereditary neoplastic syndrome; Tumor predisposition. Identifiers: Orphanet 140162, MedGen C0027672, MeSH D009386, MONDO:0015356.

Submissions (3):

ClinGen Myeloid Malignancy Variant Curation Expert Panel
Classification: Pathogenic for Hereditary thrombocytopenia and hematologic cancer predisposition syndrome. Last evaluated: 2023-12-09. Review status: reviewed by expert panel. Criteria: ClinGen MyeloMalig ACMG Specifications v2. Collection method: curation. Allele origin: germline. Inheritance: Autosomal dominant inheritance.
Comment: The NM_001754.5(RUNX1):c.259_260dup (p.Glu88AlafsTer?) is a null variant that affects all biologically relevant transcripts (PVS1). This variant is completely absent from all population databases with at least 20x coverage for RUNX1 (PM2_Supporting). The variant Impacts the 88th amino acid just outside the RHD domain (PM4_supporting applied to amino acid residues 89-204 within the RHD). This variant is a nonsense/frameshift variants that is downstream of c.98 (PM5_Supporting). In summary, this variant meets criteria to be classified as pathogenic. ACMG/AMP criteria applied, as specified by the Myeloid Malignancy Variant Curation Expert Panel for RUNX1: PVS1, PM2_supporting, PM5_supporting.

Ambry Genetics
Classification: Pathogenic for Inborn genetic diseases. Last evaluated: 2026-04-01. Review status: criteria provided, single submitter. Criteria: Ambry Variant Classification Scheme 2023. Collection method: clinical testing. Allele origin: germline. Not counted in ClinVar's aggregate classification.
Comment: The c.259_260dupGG pathogenic mutation, located in coding exon 3 of the RUNX1 gene, results from a duplication of GG at nucleotide position 259, causing a translational frameshift with a predicted alternate stop codon (p.E88Afs*35). This variant is considered to be rare based on population cohorts in the Genome Aggregation Database (gnomAD). This alteration is expected to result in loss of function by premature protein truncation or nonsense-mediated mRNA decay. As such, this alteration is interpreted as a disease-causing mutation.

Sema4
Classification: Likely pathogenic for Hereditary cancer-predisposing syndrome. Last evaluated: 2021-06-04. Review status: criteria provided, single submitter. Criteria: Sema4 Curation Guidelines. Collection method: curation. Allele origin: germline. Not counted in ClinVar's aggregate classification.
Comment: The RUNX1 c.259_260dupGG (p.E88Afs*35) variant has not been reported in the literature to our knowledge. This variant causes a frameshift at amino acid 88 that results in premature termination 35 amino acids downstream. At this location, this is predicted to cause nonsense-mediated decay and result in an absent protein (loss of function). This variant is not reported in the population database Genome Aggregation Database (PMID: 32461654), nor has it been reported in ClinVar. Based on the current evidence available, this variant is interpreted as likely pathogenic.